The following is an entry in ClinVar:

ClinVar aggregate classification (germline): not provided (0 of 4 stars; one submission).

Allele frequency attached by ClinVar (database versions not stated): TOPMed 0.00004; gnomAD exomes 0.00055; gnomAD 0.00062 and 0.00063.
gnomAD v4.1: 362 of 646,928 alleles (0.056%); highest among the groups gnomAD compares: Non-Finnish European, 0.013%; 1 homozygote.

Submission:

Human Evolutionary Genetics, Institut Pasteur
No classification provided. Review status: no classification provided. Collection method: not provided. Allele origin: germline.
ClinVar note: Converted during submission from untested to not provided.

NM_176810.2(NLRP13):c.457+143T>G

Gene: NLRP13 (NLR family pyrin domain containing 13; minus strand). Cytogenetic location: 19q13.43.
Variant type: single nucleotide variant.
Coding change: c.457+143T>G on transcript NM_176810.2 (MANE Select); 143 bases into the intron after coding-DNA position 457, T replaced by G.
Molecular consequence: intron variant.
Genome position (GRCh38, 1-based): chr19:55,924,447, A>C on the plus strand (T>G on the coding strand, the complement: NLRP13 is on the minus strand). VCF-style: chr19-55924447-A-C. GRCh37 (hg19) VCF-style: chr19-56435813-A-C.
Other names: c.457+143T>G (NM_001321057.1).
Identifiers: ClinVar variation 103318 (VCV000103318.2), dbSNP rs199476250, ClinGen allele CA230409.
Genomic context (GRCh38, chr19:55,924,447, plus strand): 5'-TGCTGGAATTGCAGATATGAGCCGTTCTACTCAGCCGTAAGTTATTATTTAATAAGAAAT[A>C]CTGGAAGAACTAGATGGAAAGAGTTTTTAATTTTTTATGTACCATAAATTCAAGAAATTT-3'